The following is an entry in ClinVar:

NM_002291.3(LAMB1):c.2223G>T (p.Glu741Asp)

Gene: LAMB1 (laminin subunit beta 1; minus strand). Cytogenetic location: 7q31.1.
Variant type: single nucleotide variant.
Coding change: c.2223G>T on transcript NM_002291.3 (MANE Select); coding-DNA position 2223, G replaced by T.
Protein change: p.Glu741Asp; replaces glutamic acid 741 with aspartic acid.
Molecular consequence: missense variant.
Genome position (GRCh38, 1-based): chr7:107,960,536, C>A on the plus strand (G>T on the coding strand, the complement: LAMB1 is on the minus strand). VCF-style: chr7-107960536-C-A. GRCh37 (hg19) VCF-style: chr7-107600981-C-A.
Other names: c.2223G>T (NM_002291.2); short protein forms E741D.
Identifiers: ClinVar variation 1381630 (VCV001381630.7), dbSNP rs754141476, ClinGen allele CA4435714.

ClinVar aggregate classification (germline): Uncertain significance. Review status: criteria provided, multiple submitters, no conflicts (2 of 4 stars). 2 submissions from 2 submitters: Uncertain significance (2). Last evaluated 2025-10-20.

Allele frequency attached by ClinVar (database versions not stated): TOPMed below 0.00001; ExAC 0.00001; gnomAD 0.00001; gnomAD exomes 0.00001.
gnomAD v4.1: 9 of 1,614,088 alleles (0.00056%); highest among the groups gnomAD compares: Admixed American, 0.012%; no homozygotes.

Submissions (2):

Labcorp Genetics (formerly Invitae), Labcorp
Classification: Uncertain significance. Last evaluated: 2025-10-20. Review status: criteria provided, single submitter. Criteria: Invitae Variant Classification Sherloc (09022015). Collection method: clinical testing. Allele origin: germline.
Comment: This sequence change replaces glutamic acid, which is acidic and polar, with aspartic acid, which is acidic and polar, at codon 741 of the LAMB1 protein (p.Glu741Asp). This variant is present in population databases (rs754141476, gnomAD 0.009%). This variant has not been reported in the literature in individuals affected with LAMB1-related conditions. ClinVar contains an entry for this variant (Variation ID: 1381630). An algorithm developed to predict the effect of missense changes on protein structure and function (PolyPhen-2) suggests that this variant is likely to be disruptive. In summary, the available evidence is currently insufficient to determine the role of this variant in disease. Therefore, it has been classified as a Variant of Uncertain Significance.

GeneDx
Classification: Uncertain significance. Last evaluated: 2023-11-12. Review status: criteria provided, single submitter. Criteria: GeneDx Variant Classification Process June 2021. Collection method: clinical testing. Allele origin: germline. Affected: yes.
Comment: Not observed at significant frequency in large population cohorts (gnomAD); In silico analysis supports that this missense variant does not alter protein structure/function; Has not been previously published as pathogenic or benign to our knowledge